The following is an entry in ClinVar:

NM_000136.3(FANCC):c.1533+1G>A

Genes: AOPEP (aminopeptidase O (putative); plus strand), FANCC (FA complementation group C; minus strand). Cytogenetic location: 9q22.32.
Variant type: single nucleotide variant.
Coding change: c.1533+1G>A on transcript NM_000136.3 (MANE Select); the canonical splice donor site of the intron after coding-DNA position 1533, G replaced by A.
Molecular consequence: splice donor variant.
Genome position (GRCh38, 1-based): chr9:95,107,065, C>T on the plus strand (G>A on the coding strand, the complement: FANCC is on the minus strand). VCF-style: chr9-95107065-C-T. GRCh37 (hg19) VCF-style: chr9-97869347-C-T.
Other names: c.1533+1G>A (NM_001243743.2).
Identifiers: ClinVar variation 2899893 (VCV002899893.3), dbSNP rs753885687, ClinGen allele CA374105470.

ClinVar aggregate classification (germline): Pathogenic (1 of 4 stars; one submission).

Conditions:
Fanconi anemia (FA). Also called: Fanconi's anemia. Identifiers: Orphanet 84, MedGen C0015625, MeSH D005199, MONDO:0019391.

Allele frequency attached by ClinVar (database versions not stated): gnomAD 0.00001.
gnomAD v4.1: 1 of 1,614,024 alleles (0.000062%); highest among the groups gnomAD compares: East Asian, 0.0022%; no homozygotes.

Submission:

Labcorp Genetics (formerly Invitae), Labcorp
Classification: Pathogenic for Fanconi anemia. Last evaluated: 2023-12-19. Review status: criteria provided, single submitter. Criteria: Invitae Variant Classification Sherloc (09022015). Collection method: clinical testing. Allele origin: germline.
Comment: This sequence change affects a donor splice site in intron 14 of the FANCC gene. While this variant is not anticipated to result in nonsense mediated decay, it likely alters RNA splicing and results in a disrupted protein product. This variant is present in population databases (no rsID available, gnomAD 0.06%). This variant has not been reported in the literature in individuals affected with FANCC-related conditions. Variants that disrupt the consensus splice site are a relatively common cause of aberrant splicing (PMID: 17576681, 9536098). Algorithms developed to predict the effect of sequence changes on RNA splicing suggest that this variant may disrupt the consensus splice site. This variant disrupts a region of the FANCC protein in which other variant(s) (p.Arg548*) have been determined to be pathogenic (PMID: 8103176, 8882868, 24584348). This suggests that this is a clinically significant region of the protein, and that variants that disrupt it are likely to be disease-causing. For these reasons, this variant has been classified as Pathogenic.

Literature cited by the submitters: PubMed 17576681; PubMed 9536098; PubMed 8103176; PubMed 8882868; PubMed 24584348.